The following is an entry in ClinVar:

NM_002890.3(RASA1):c.1774C>A (p.Gln592Lys)

Genes: CCNH (cyclin H; minus strand), RASA1 (RAS p21 protein activator 1; plus strand). Cytogenetic location: 5q14.3.
Variant type: single nucleotide variant.
Coding change: c.1774C>A on transcript NM_002890.3 (MANE Select); coding-DNA position 1774, C replaced by A.
Protein change: p.Gln592Lys; replaces glutamine 592 with lysine.
Molecular consequence: missense variant. On other transcripts: intron variant (1).
Genome position (GRCh38, 1-based): chr5:87,372,193, C>A. VCF-style: chr5-87372193-C-A. GRCh37 (hg19) VCF-style: chr5-86668010-C-A.
Other names: c.1243C>A, p.Gln415Lys (NM_022650.3); c.933+22851G>T (NM_001364075.2); short protein forms Q592K, Q415K.
Identifiers: ClinVar variation 1441347 (VCV001441347.10), dbSNP rs1173108838, ClinGen allele CA360373286.
Genomic context (GRCh38, chr5:87,372,193, plus strand): 5'-CTGCAGGCATTTTGCAATTTACGGAAAAGTAGTCCAGGGACATCCAATAAACGCCTTCGT[C>A]AGGTGAAGCTTAATTTTCTTGGATTTTTAATTGTCACATTTTGCTCTAACACTTTGCTCT-3'
Protein context (NP_002881.1, residues 582-602): SPGTSNKRLR[Gln592Lys]VSSLVLHIEE

ClinVar aggregate classification (germline): Uncertain significance. Review status: criteria provided, multiple submitters, no conflicts (2 of 4 stars). 2 submissions from 2 submitters: Uncertain significance (2). Last evaluated 2025-12-09.

Conditions:
Capillary malformation-arteriovenous malformation syndrome. Also called: Capillary malformation-arteriovenous malformation. Identifiers: Orphanet 137667, MedGen C1842180, MONDO:0012016.
Cardiovascular phenotype. Identifiers: MedGen CN230736.

Allele frequency attached by ClinVar (database versions not stated): gnomAD exomes below 0.00001 and 0.00001.
gnomAD v4.1: 17 of 1,612,898 alleles (0.0011%); highest among the groups gnomAD compares: Non-Finnish European, 0.00093%; no homozygotes.

Submissions (2):

Labcorp Genetics (formerly Invitae), Labcorp
Classification: Uncertain significance for Capillary malformation-arteriovenous malformation syndrome. Last evaluated: 2025-12-09. Review status: criteria provided, single submitter. Criteria: Invitae Variant Classification Sherloc (09022015). Collection method: clinical testing. Allele origin: germline.
Comment: This sequence change replaces glutamine, which is neutral and polar, with lysine, which is basic and polar, at codon 592 of the RASA1 protein (p.Gln592Lys). This variant is present in population databases (no rsID available, gnomAD 0.0009%). This variant has not been reported in the literature in individuals affected with RASA1-related conditions. ClinVar contains an entry for this variant (Variation ID: 1441347). An algorithm developed to predict the effect of missense changes on protein structure and function (PolyPhen-2) suggests that this variant is likely to be tolerated. In summary, the available evidence is currently insufficient to determine the role of this variant in disease. Therefore, it has been classified as a Variant of Uncertain Significance.

Ambry Genetics
Classification: Uncertain significance for Cardiovascular phenotype. Last evaluated: 2022-04-06. Review status: criteria provided, single submitter. Criteria: Ambry Variant Classification Scheme 2023. Collection method: clinical testing. Allele origin: germline.
Comment: The p.Q592K variant (also known as c.1774C>A), located in coding exon 13 of the RASA1 gene, results from a C to A substitution at nucleotide position 1774. The glutamine at codon 592 is replaced by lysine, an amino acid with similar properties. This amino acid position is conserved. In addition, this alteration is predicted to be deleterious by in silico analysis. Since supporting evidence is limited at this time, the clinical significance of this alteration remains unclear.